The following is an entry in ClinVar:

ClinVar aggregate classification (germline): Uncertain significance. Review status: criteria provided, multiple submitters, no conflicts (2 of 4 stars). 3 submissions from 3 submitters: Uncertain significance (3). Last evaluated 2023-10-09.

Conditions:
Cardiovascular phenotype. Identifiers: MedGen CN230736.
Hypertrophic cardiomyopathy 10. Also called: CARDIOMYOPATHY, HYPERTROPHIC, MID-LEFT VENTRICULAR CHAMBER TYPE, 2; MYL2-Related Familial Hypertrophic Cardiomyopathy. Identifiers: MedGen C1834460, MONDO:0012112, OMIM 608758.

Submissions (3):

Ambry Genetics
Classification: Uncertain significance for Cardiovascular phenotype. Last evaluated: 2023-10-09. Review status: criteria provided, single submitter. Criteria: Ambry Variant Classification Scheme 2023. Collection method: clinical testing. Allele origin: germline.
Comment: The p.G87R variant (also known as c.259G>A), located in coding exon 4 of the MYL2 gene, results from a G to A substitution at nucleotide position 259. The glycine at codon 87 is replaced by arginine, an amino acid with dissimilar properties. This amino acid position is highly conserved in available vertebrate species. In addition, this alteration is predicted to be deleterious by in silico analysis. Since supporting evidence is limited at this time, the clinical significance of this alteration remains unclear.

Labcorp Genetics (formerly Invitae), Labcorp
Classification: Uncertain significance for Hypertrophic cardiomyopathy 10. Last evaluated: 2022-03-08. Review status: criteria provided, single submitter. Criteria: Invitae Variant Classification Sherloc (09022015). Collection method: clinical testing. Allele origin: germline.
Comment: In summary, the available evidence is currently insufficient to determine the role of this variant in disease. Therefore, it has been classified as a Variant of Uncertain Significance. Algorithms developed to predict the effect of sequence changes on RNA splicing suggest that this variant may create or strengthen a splice site. Algorithms developed to predict the effect of missense changes on protein structure and function (SIFT, PolyPhen-2, Align-GVGD) all suggest that this variant is likely to be disruptive. This variant has not been reported in the literature in individuals affected with MYL2-related conditions. This variant is not present in population databases (gnomAD no frequency). This sequence change replaces glycine, which is neutral and non-polar, with arginine, which is basic and polar, at codon 87 of the MYL2 protein (p.Gly87Arg).

GeneDx
Classification: Uncertain significance. Last evaluated: 2022-01-11. Review status: criteria provided, single submitter. Criteria: GeneDx Variant Classification Process June 2021. Collection method: clinical testing. Allele origin: germline. Affected: yes.
Comment: Has not been previously published as pathogenic or benign to our knowledge; Not observed at significant frequency in large population cohorts (gnomAD); In silico analysis supports that this missense variant has a deleterious effect on protein structure/function

NM_000432.4(MYL2):c.259G>A (p.Gly87Arg)

Gene: MYL2 (myosin light chain 2; minus strand). Cytogenetic location: 12q24.11.
Variant type: single nucleotide variant.
Coding change: c.259G>A on transcript NM_000432.4 (MANE Select); coding-DNA position 259, G replaced by A.
Protein change: p.Gly87Arg; replaces glycine 87 with arginine.
Molecular consequence: missense variant.
Genome position (GRCh38, 1-based): chr12:110,914,201, C>T on the plus strand (G>A on the coding strand, the complement: MYL2 is on the minus strand). VCF-style: chr12-110914201-C-T. GRCh37 (hg19) VCF-style: chr12-111352005-C-T.
Other names: short protein forms G87R.
Identifiers: ClinVar variation 1335831 (VCV001335831.10), dbSNP rs2136772130, ClinGen allele CA386698671.